The following is an entry in ClinVar:

NM_020964.3(EPG5):c.1049G>A (p.Arg350His)

Gene: EPG5 (ectopic P-granules 5 autophagy tethering factor; minus strand). Cytogenetic location: 18q21.1.
Variant type: single nucleotide variant.
Coding change: c.1049G>A on transcript NM_020964.3 (MANE Select); coding-DNA position 1049, G replaced by A.
Protein change: p.Arg350His; replaces arginine 350 with histidine.
Molecular consequence: missense variant.
Genome position (GRCh38, 1-based): chr18:45,952,603, C>T on the plus strand (G>A on the coding strand, the complement: EPG5 is on the minus strand). VCF-style: chr18-45952603-C-T. GRCh37 (hg19) VCF-style: chr18-43532569-C-T.
Other names: c.1049G>A, p.Arg350His (NM_001410858.1, NM_001410859.1); short protein forms R350H.
Identifiers: ClinVar variation 3275867 (VCV003275867.2).

ClinVar aggregate classification (germline): Uncertain significance. Review status: criteria provided, multiple submitters, no conflicts (2 of 4 stars). 2 submissions from 2 submitters: Uncertain significance (2). Last evaluated 2025-01-30.

Conditions:
Vici syndrome (VICIS). Identifiers: Orphanet 1493, MedGen C1855772, MONDO:0009452, OMIM 242840.
Inborn genetic diseases. Identifiers: MedGen C0950123, MeSH D030342.

gnomAD v4.1: 16 of 1,613,954 alleles (0.00099%); highest among the groups gnomAD compares: African/African-American, 0.004%; no homozygotes.

Submissions (2):

Labcorp Genetics (formerly Invitae), Labcorp
Classification: Uncertain significance for Vici syndrome. Last evaluated: 2025-01-30. Review status: criteria provided, single submitter. Criteria: Invitae Variant Classification Sherloc (09022015). Collection method: clinical testing. Allele origin: germline.
Comment: This sequence change replaces arginine, which is basic and polar, with histidine, which is basic and polar, at codon 350 of the EPG5 protein (p.Arg350His). This variant is not present in population databases (gnomAD no frequency). This variant has not been reported in the literature in individuals affected with EPG5-related conditions. ClinVar contains an entry for this variant (Variation ID: 3275867). Invitae Evidence Modeling of protein sequence and biophysical properties (such as structural, functional, and spatial information, amino acid conservation, physicochemical variation, residue mobility, and thermodynamic stability) indicates that this missense variant is not expected to disrupt EPG5 protein function with a negative predictive value of 80%. In summary, the available evidence is currently insufficient to determine the role of this variant in disease. Therefore, it has been classified as a Variant of Uncertain Significance.

Ambry Genetics
Classification: Uncertain significance for Inborn genetic diseases. Last evaluated: 2024-04-09. Review status: criteria provided, single submitter. Criteria: Ambry Variant Classification Scheme 2023. Collection method: clinical testing. Allele origin: germline.